The following is an entry in ClinVar:

NM_201596.3(CACNB2):c.602G>A (p.Gly201Glu)

Gene: CACNB2 (calcium voltage-gated channel auxiliary subunit beta 2; plus strand). Cytogenetic location: 10p12.31.
Variant type: single nucleotide variant.
Coding change: c.602G>A on transcript NM_201596.3 (MANE Select); coding-DNA position 602, G replaced by A.
Protein change: p.Gly201Glu; replaces glycine 201 with glutamic acid.
Molecular consequence: missense variant.
Genome position (GRCh38, 1-based): chr10:18,506,479, G>A. VCF-style: chr10-18506479-G-A. GRCh37 (hg19) VCF-style: chr10-18795408-G-A.
Other names: c.437G>A, p.Gly146Glu (NM_001330060.2, NM_000724.4); c.458G>A, p.Gly153Glu (NM_001410882.1, NM_201570.3); c.518G>A, p.Gly173Glu (NM_201571.4, NM_201572.4, NM_001167945.2); c.440G>A, p.Gly147Glu (NM_201590.3); c.602G>A, p.Gly201Glu (NM_201593.3, NM_201597.3); short protein forms G153E, G146E, G147E, G173E, G201E.
Identifiers: ClinVar variation 4691774 (VCV004691774.1).

ClinVar aggregate classification (germline): Uncertain significance (1 of 4 stars; one submission).

Conditions:
Brugada syndrome 4 (BRGDA4). Identifiers: Orphanet 130, MedGen C2678477, MONDO:0012743, OMIM 611876.

Submission:

Labcorp Genetics (formerly Invitae), Labcorp
Classification: Uncertain significance for Brugada syndrome 4. Last evaluated: 2025-07-29. Review status: criteria provided, single submitter. Criteria: Invitae Variant Classification Sherloc (09022015). Collection method: clinical testing. Allele origin: germline.
Comment: This sequence change replaces glycine, which is neutral and non-polar, with glutamic acid, which is acidic and polar, at codon 147 of the CACNB2 protein (p.Gly147Glu). This variant is present in population databases (no rsID available, gnomAD 0.003%). This variant has not been reported in the literature in individuals affected with CACNB2-related conditions. Invitae Evidence Modeling of protein sequence and biophysical properties (such as structural, functional, and spatial information, amino acid conservation, physicochemical variation, residue mobility, and thermodynamic stability) indicates that this missense variant is not expected to disrupt CACNB2 protein function with a negative predictive value of 80%. In summary, the available evidence is currently insufficient to determine the role of this variant in disease. Therefore, it has been classified as a Variant of Uncertain Significance.